The following is an entry in ClinVar:

ClinVar aggregate classification (germline): Uncertain significance. Review status: criteria provided, multiple submitters, no conflicts (2 of 4 stars). 2 submissions from 2 submitters: Uncertain significance (2). Last evaluated 2025-06-24.

Conditions:
Inborn genetic diseases. Identifiers: MedGen C0950123, MeSH D030342.

Submissions (2):

Ambry Genetics
Classification: Uncertain significance for Inborn genetic diseases. Last evaluated: 2025-06-24. Review status: criteria provided, single submitter. Criteria: Ambry Variant Classification Scheme 2023. Collection method: clinical testing. Allele origin: germline.

Labcorp Genetics (formerly Invitae), Labcorp
Classification: Uncertain significance. Last evaluated: 2021-08-15. Review status: criteria provided, single submitter. Criteria: Invitae Variant Classification Sherloc (09022015). Collection method: clinical testing. Allele origin: germline.
Comment: This sequence change replaces alanine with threonine at codon 936 of the IARS2 protein (p.Ala936Thr). The alanine residue is moderately conserved and there is a small physicochemical difference between alanine and threonine. This variant is not present in population databases (ExAC no frequency). This variant has not been reported in the literature in individuals with IARS2-related conditions. Algorithms developed to predict the effect of missense changes on protein structure and function (SIFT, PolyPhen-2, Align-GVGD) all suggest that this variant is likely to be tolerated, but these predictions have not been confirmed by published functional studies and their clinical significance is uncertain. In summary, the available evidence is currently insufficient to determine the role of this variant in disease. Therefore, it has been classified as a Variant of Uncertain Significance.

NM_018060.4(IARS2):c.2806G>A (p.Ala936Thr)

Gene: IARS2 (isoleucyl-tRNA synthetase 2, mitochondrial; plus strand). Cytogenetic location: 1q41.
Variant type: single nucleotide variant.
Coding change: c.2806G>A on transcript NM_018060.4 (MANE Select); coding-DNA position 2806, G replaced by A.
Protein change: p.Ala936Thr; replaces alanine 936 with threonine.
Molecular consequence: missense variant.
Genome position (GRCh38, 1-based): chr1:220,145,563, G>A. VCF-style: chr1-220145563-G-A. GRCh37 (hg19) VCF-style: chr1-220318905-G-A.
Other names: c.2806G>A (NM_018060.3); short protein forms A936T.
Identifiers: ClinVar variation 1356184 (VCV001356184.9), dbSNP rs2102843852, ClinGen allele CA344618427.
Genomic context (GRCh38, chr1:220,145,563, plus strand): 5'-TTCCAGATGCTGCAGTCTGAAGAGACTTCCAGCACCTCTCAGTTGAATGAATTAATGATG[G>A]CTTCTGAGTCAACTTTACTGGCTCAGGAACCACGAGAGATGACTGCAGATGTAATCGAGC-3'
Protein context (NP_060530.3, residues 926-946): STSQLNELMM[Ala936Thr]SESTLLAQEP